The following is an entry in ClinVar:

ClinVar aggregate classification (germline): Pathogenic (1 of 4 stars; one submission).

Conditions:
Spastic paraplegia. Identifiers: MedGen C0037772, HP:0001258.

Allele frequency attached by ClinVar (database versions not stated): TOPMed below 0.00001; gnomAD exomes 0.00001.
gnomAD v4.1: 15 of 1,613,714 alleles (0.00093%); highest among the groups gnomAD compares: Non-Finnish European, 0.0013%; no homozygotes.

Submission:

Labcorp Genetics (formerly Invitae), Labcorp
Classification: Pathogenic for Spastic paraplegia. Last evaluated: 2023-05-28. Review status: criteria provided, single submitter. Criteria: Invitae Variant Classification Sherloc (09022015). Collection method: clinical testing. Allele origin: germline.
Comment: For these reasons, this variant has been classified as Pathogenic. Algorithms developed to predict the effect of sequence changes on RNA splicing suggest that this variant may disrupt the consensus splice site. This variant has not been reported in the literature in individuals affected with CYP7B1-related conditions. This variant is present in population databases (no rsID available, gnomAD 0.002%). This sequence change creates a premature translational stop signal (p.Gln327*) in the CYP7B1 gene. It is expected to result in an absent or disrupted protein product. Loss-of-function variants in CYP7B1 are known to be pathogenic (PMID: 9802883, 19363635, 19439420, 21541746, 21567895, 28039895).

Literature cited by the submitters: PubMed 9802883; PubMed 19363635; PubMed 19439420; PubMed 21541746; PubMed 21567895; PubMed 28039895.

NM_004820.5(CYP7B1):c.979C>T (p.Gln327Ter)

Gene: CYP7B1 (cytochrome P450 family 7 subfamily B member 1; minus strand). Cytogenetic location: 8q12.3.
Variant type: single nucleotide variant.
Coding change: c.979C>T on transcript NM_004820.5 (MANE Select); coding-DNA position 979, C replaced by T.
Protein change: p.Gln327Ter; replaces glutamine 327 with a stop codon.
Molecular consequence: nonsense.
Genome position (GRCh38, 1-based): chr8:64,615,104, G>A on the plus strand (C>T on the coding strand, the complement: CYP7B1 is on the minus strand). VCF-style: chr8-64615104-G-A. GRCh37 (hg19) VCF-style: chr8-65527661-G-A.
Other names: c.979C>T, p.Gln327Ter (NM_001324112.2); short protein forms Q327*.
Identifiers: ClinVar variation 3023790 (VCV003023790.3), dbSNP rs1471994576, ClinGen allele CA371334545.